The following is an entry in ClinVar:

ClinVar aggregate classification (germline): Uncertain significance (1 of 4 stars; one submission).

Allele frequency attached by ClinVar (database versions not stated): TOPMed 0.00002.
gnomAD v4.1: 2 of 1,613,970 alleles (0.00012%); highest among the groups gnomAD compares: East Asian, 0.0045%; no homozygotes.

Submission:

Ambry Genetics
Classification: Uncertain significance. Last evaluated: 2023-08-24. Review status: criteria provided, single submitter. Criteria: Ambry Variant Classification Scheme 2023. Collection method: clinical testing. Allele origin: germline.
Comment: Does not currently meet published gene-disease clinical validity criteria Based on insufficient or conflicting evidence, the clinical significance of this alteration remains unclear.

Literature cited by the submitters: PubMed 28106320.

NM_172351.3(CD46):c.10C>T (p.Pro4Ser)

Genes: CD46 (CD46 molecule; plus strand), LOC129932405 (ATAC-STARR-seq lymphoblastoid active region 2449; plus strand). Cytogenetic location: 1q32.2.
Variant type: single nucleotide variant.
Coding change: c.10C>T on transcript NM_172351.3 (MANE Select); coding-DNA position 10, C replaced by T.
Protein change: p.Pro4Ser; replaces proline 4 with serine.
Molecular consequence: missense variant.
Genome position (GRCh38, 1-based): chr1:207,752,222, C>T. VCF-style: chr1-207752222-C-T. GRCh37 (hg19) VCF-style: chr1-207925567-C-T.
Other names: c.10C>T, p.Pro4Ser (NM_002389.4, NM_153826.4, NM_172350.3 and 8 more transcripts); short protein forms P4S.
Identifiers: ClinVar variation 2600764 (VCV002600764.2), dbSNP rs1335624534, ClinGen allele CA344547708.
Genomic context (GRCh38, chr1:207,752,222, plus strand): 5'-TCGGTTTCTCTGCTTTCCTCCGGAGAAATAACAGCGTCTTCCGCGCCGCGCATGGAGCCT[C>T]CCGGCCGCCGCGAGTGTCCCTTTCCTTCCTGGCGCTTTCCTGGGTTGCTTCTGGCGGCCA-3'
Protein context (NP_758861.1, residues 1-14): MEP[Pro4Ser]GRRECPFPSW